The following is an entry in ClinVar:

NM_014283.5(SUCO):c.2489C>T (p.Thr830Ile)

Gene: SUCO (SUN domain containing ossification factor; plus strand). Cytogenetic location: 1q24.3.
Variant type: single nucleotide variant.
Coding change: c.2489C>T on transcript NM_014283.5 (MANE Select); coding-DNA position 2489, C replaced by T.
Protein change: p.Thr830Ile; replaces threonine 830 with isoleucine.
Molecular consequence: missense variant. On other transcripts: intron variant (1).
Genome position (GRCh38, 1-based): chr1:172,589,590, C>T. VCF-style: chr1-172589590-C-T. GRCh37 (hg19) VCF-style: chr1-172558730-C-T.
Other names: c.800C>T, p.Thr267Ile (NM_001282751.2); c.2942C>T, p.Thr981Ile (NM_016227.4); c.1712+666C>T (NM_001282750.2); short protein forms T830I, T981I, T267I.
Identifiers: ClinVar variation 3714190 (VCV003714190.2).

ClinVar aggregate classification (germline): Uncertain significance (1 of 4 stars; one submission).

gnomAD v4.1: 8 of 1,613,674 alleles (0.0005%); highest among the groups gnomAD compares: Admixed American, 0.0083%; no homozygotes.

Submission:

Labcorp Genetics (formerly Invitae), Labcorp
Classification: Uncertain significance. Last evaluated: 2024-03-27. Review status: criteria provided, single submitter. Criteria: Invitae Variant Classification Sherloc (09022015). Collection method: clinical testing. Allele origin: germline.
Comment: This sequence change replaces threonine, which is neutral and polar, with isoleucine, which is neutral and non-polar, at codon 830 of the SUCO protein (p.Thr830Ile). This variant is present in population databases (rs773986814, gnomAD 0.0009%). This variant has not been reported in the literature in individuals affected with SUCO-related conditions. An algorithm developed to predict the effect of missense changes on protein structure and function (PolyPhen-2) suggests that this variant is likely to be disruptive. In summary, the available evidence is currently insufficient to determine the role of this variant in disease. Therefore, it has been classified as a Variant of Uncertain Significance.